The following is an entry in ClinVar:

NM_001165963.4(SCN1A):c.1096_1106delinsT (p.Asp366fs)

Gene: SCN1A (sodium voltage-gated channel alpha subunit 1; minus strand). Cytogenetic location: 2q24.3.
Variant type: Indel.
Coding change: c.1096_1106delinsT on transcript NM_001165963.4 (MANE Select); coding-DNA positions 1096 to 1106, GATACCTTCAG replaced by T.
Protein change: p.Asp366fs; shifts the reading frame from aspartic acid 366.
Molecular consequence: frameshift variant. On other transcripts: 5 prime UTR variant (1), non-coding transcript variant (1).
Genome position (GRCh38, 1-based): chr2:166,047,691-166,047,701, CTGAAGGTATC replaced by A on the plus strand (GATACCTTCAG replaced by T on the coding strand, the reverse complement: SCN1A is on the minus strand). VCF-style: chr2-166047691-CTGAAGGTATC-A. GRCh37 (hg19) VCF-style: chr2-166904201-CTGAAGGTATC-A.
Other names: c.1096_1106delinsT, p.Asp366fs (NM_001165964.3, NM_001202435.3, NM_001353948.2 and 10 more transcripts); c.-1330_-1320delinsT (NM_001353961.2); short protein forms D366fs.
Identifiers: ClinVar variation 3781290 (VCV003781290.1).

ClinVar aggregate classification (germline): Pathogenic (1 of 4 stars; one submission).

Submission:

GeneDx
Classification: Pathogenic. Last evaluated: 2024-10-18. Review status: criteria provided, single submitter. Criteria: GeneDx Variant Classification Process June 2021. Collection method: clinical testing. Allele origin: germline. Affected: yes.
Comment: Frameshift variant predicted to result in protein truncation or nonsense mediated decay in a gene for which loss of function is a known mechanism of disease; Not observed at significant frequency in large population cohorts (gnomAD); Has not been previously published as pathogenic or benign to our knowledge